The following is an entry in ClinVar:

NM_172107.4(KCNQ2):c.1646T>C (p.Leu549Pro)

Gene: KCNQ2 (potassium voltage-gated channel subfamily Q member 2; minus strand). Cytogenetic location: 20q13.33.
Variant type: single nucleotide variant.
Coding change: c.1646T>C on transcript NM_172107.4 (MANE Select); coding-DNA position 1646, T replaced by C.
Protein change: p.Leu549Pro; replaces leucine 549 with proline.
Molecular consequence: missense variant.
Genome position (GRCh38, 1-based): chr20:63,413,567, A>G on the plus strand (T>C on the coding strand, the complement: KCNQ2 is on the minus strand). VCF-style: chr20-63413567-A-G. GRCh37 (hg19) VCF-style: chr20-62044920-A-G.
Other names: c.1592T>C, p.Leu531Pro (NM_001382235.1, NM_172106.3); c.1562T>C, p.Leu521Pro (NM_004518.6); c.1553T>C, p.Leu518Pro (NM_172108.5); short protein forms L518P, L521P, L531P, L549P.
Identifiers: ClinVar variation 1713609 (VCV001713609.5), dbSNP rs2516168508, ClinGen allele CA409644028.
Genomic context (GRCh38, chr20:63,413,567, plus strand): 5'-TCGATGACGTCCATCACGTCGTAGGGCCGCAGGCTCTCCTTGAACTTCCGCTTGGACACC[A>G]GGAACCGCATGACACTGCAGGGGGGTGGGTGGGGCTGTGAGCCCTGGGCCAGAGACCCCC-3'
Protein context (NP_742105.1, residues 539-559): SIRAVCVMRF[Leu549Pro]VSKRKFKESL

ClinVar aggregate classification (germline): Uncertain significance (1 of 4 stars; one submission).

Conditions:
Early-infantile DEE. Also called: Early infantile epileptic encephalopathy with suppression bursts; Early infantile epileptic encephalopathy; Ohtahara syndrome. Identifiers: Orphanet 1934, MedGen C0393706, MONDO:0800491.

Submission:

Labcorp Genetics (formerly Invitae), Labcorp
Classification: Uncertain significance for Early-infantile DEE. Last evaluated: 2022-07-25. Review status: criteria provided, single submitter. Criteria: Invitae Variant Classification Sherloc (09022015). Collection method: clinical testing. Allele origin: germline.
Comment: In summary, the available evidence is currently insufficient to determine the role of this variant in disease. Therefore, it has been classified as a Variant of Uncertain Significance. Advanced modeling of protein sequence and biophysical properties (such as structural, functional, and spatial information, amino acid conservation, physicochemical variation, residue mobility, and thermodynamic stability) performed at Invitae indicates that this missense variant is expected to disrupt KCNQ2 protein function. This variant has not been reported in the literature in individuals affected with KCNQ2-related conditions. This variant is not present in population databases (gnomAD no frequency). This sequence change replaces leucine, which is neutral and non-polar, with proline, which is neutral and non-polar, at codon 549 of the KCNQ2 protein (p.Leu549Pro).